The following is an entry in ClinVar:

NM_023110.3(FGFR1):c.*1632A>G

Genes: FGFR1 (fibroblast growth factor receptor 1; minus strand), LOC102723716 (uncharacterized LOC102723716; minus strand). Cytogenetic location: 8p11.23.
Variant type: single nucleotide variant.
Coding change: c.*1632A>G on transcript NM_023110.3 (MANE Select); 1632 bases downstream of the stop codon, A replaced by G.
Molecular consequence: 3 prime UTR variant.
Genome position (GRCh38, 1-based): chr8:38,411,996, T>C on the plus strand (A>G on the coding strand, the complement: FGFR1 is on the minus strand). VCF-style: chr8-38411996-T-C. GRCh37 (hg19) VCF-style: chr8-38269514-T-C.
Other names: c.*1632A>G (NM_001174063.2, NM_001174064.2, NM_001174065.2 and 6 more transcripts); c.*393A>G (NM_001354367.2, NM_001354369.2, NM_001354370.2).
Identifiers: ClinVar variation 362864 (VCV000362864.6), dbSNP rs13317, ClinGen allele CA10630949.

ClinVar aggregate classification (germline): Benign. Review status: criteria provided, multiple submitters, no conflicts (2 of 4 stars). 5 submissions from 2 submitters: Benign (5). Last evaluated 2018-01-13.

Conditions:
Osteoglophonic dysplasia (OGD). Also called: Osteoglophonic dwarfism. Identifiers: Orphanet 2645, MedGen C0432283, MONDO:0008150, OMIM 166250.
Trigonocephaly 1 (TRIGNO1). Identifiers: Orphanet 3366, MedGen C0432122, MONDO:0008603, OMIM 190440.
Hypogonadotropic hypogonadism 2 with or without anosmia (HH2). Also called: HYPOGONADOTROPIC HYPOGONADISM 2 WITH OR WITHOUT ANOSMIA, SUSCEPTIBILITY TO; HYPOGONADOTROPIC HYPOGONADISM 2 WITHOUT ANOSMIA, SUSCEPTIBILITY TO; FGFR1-Related GnRH Deficiency (Kallmann Syndrome 2); HYPOGONADOTROPIC HYPOGONADISM 2 WITHOUT ANOSMIA. Identifiers: Orphanet 478, MedGen C1563720, MONDO:0007844, OMIM 147950. Disease mechanism: loss of function.
Craniosynostosis syndrome. Also called: Craniosynostosis. Identifiers: Orphanet 1531, MedGen C0010278, MeSH D003398, MONDO:0015469, HP:0001363.

Allele frequency attached by ClinVar (database versions not stated): 1000 Genomes Project 30x 0.21924; 1000 Genomes Project 0.22504; gnomAD 0.22538 and 0.22837; TOPMed 0.23807; gnomAD exomes 0.24694.
gnomAD v4.1: 53,679 of 230,686 alleles (23%); highest among the groups gnomAD compares: East Asian, 35%; 6,569 homozygotes.

Submissions (5):

Illumina Laboratory Services, Illumina
Classification: Benign for Trigonocephaly 1. Last evaluated: 2018-01-13. Review status: criteria provided, single submitter. Criteria: ICSL Variant Classification Criteria 13 December 2019. Collection method: clinical testing. Allele origin: germline.
Comment: This variant was observed in the ICSL laboratory as part of a predisposition screen in an ostensibly healthy population. It had not been previously curated by ICSL or reported in the Human Gene Mutation Database (HGMD: prior to June 1st, 2018), and was therefore a candidate for classification through an automated scoring system. Utilizing variant allele frequency, disease prevalence and penetrance estimates, and inheritance mode, an automated score was calculated to assess if this variant is too frequent to cause the disease. Based on the score and internal cut-off values, a variant classified as benign is not then subjected to further curation. The score for this variant resulted in a classification of benign for this disease.

Illumina Laboratory Services, Illumina
Classification: Benign for Hypogonadotropic hypogonadism 2 with or without anosmia. Last evaluated: 2018-01-13. Review status: criteria provided, single submitter. Criteria: ICSL Variant Classification Criteria 13 December 2019. Collection method: clinical testing. Allele origin: germline.
Comment: the same text as in the submission from Illumina Laboratory Services, Illumina above.

Illumina Laboratory Services, Illumina
Classification: Benign for Osteoglophonic dysplasia. Last evaluated: 2018-01-13. Review status: criteria provided, single submitter. Criteria: ICSL Variant Classification Criteria 13 December 2019. Collection method: clinical testing. Allele origin: germline.
Comment: the same text as in the submission from Illumina Laboratory Services, Illumina above.

Illumina Laboratory Services, Illumina
Classification: Benign for Craniosynostosis. Last evaluated: 2018-01-13. Review status: criteria provided, single submitter. Criteria: ICSL Variant Classification Criteria 13 December 2019. Collection method: clinical testing. Allele origin: germline.
Comment: the same text as in the submission from Illumina Laboratory Services, Illumina above.

Breakthrough Genomics
Classification: Benign. Review status: criteria provided, single submitter. Criteria: ACMG Guidelines, 2015. Collection method: not provided. Allele origin: germline. Inheritance: Autosomal dominant inheritance. Affected: yes.